The following is an entry in ClinVar:

ClinVar aggregate classification (germline): Uncertain significance. Review status: criteria provided, multiple submitters, no conflicts (2 of 4 stars). 2 submissions from 2 submitters: Uncertain significance (2). Last evaluated 2025-09-17.

Conditions:
Hereditary cancer-predisposing syndrome. Also called: Tumor predisposition; Hereditary Cancer Syndrome; Neoplastic Syndromes, Hereditary; Hereditary neoplastic syndrome. Identifiers: Orphanet 140162, MedGen C0027672, MeSH D009386, MONDO:0015356.

Allele frequency attached by ClinVar (database versions not stated): TOPMed below 0.00001.

Submissions (2):

Color Diagnostics, LLC DBA Color Health
Classification: Uncertain significance for Hereditary cancer-predisposing syndrome. Last evaluated: 2025-09-17. Review status: criteria provided, single submitter. Criteria: ACMG Guidelines, 2015. Collection method: clinical testing. Allele origin: germline.
Comment: This missense variant replaces serine with asparagine at codon 992 of the APC protein. Computational prediction suggests that this variant may not impact protein structure and function. APC is defined as a gene for which primarily truncating variants are known to cause disease (ClinGen HCCP VCEP). To our knowledge, functional studies have not been reported for this variant. This variant has not been reported in individuals affected with APC-related disorders in the literature. This variant has not been identified in the general population by the Genome Aggregation Database (gnomAD). The available evidence is insufficient to determine the role of this variant in disease conclusively. Therefore, this variant is classified as a Variant of Uncertain Significance.

Ambry Genetics
Classification: Uncertain significance for Hereditary cancer-predisposing syndrome. Last evaluated: 2019-04-19. Review status: criteria provided, single submitter. Criteria: Ambry Variant Classification Scheme 2023. Collection method: clinical testing. Allele origin: germline.
Comment: The p.S992N variant (also known as c.2975G>A), located in coding exon 15 of the APC gene, results from a G to A substitution at nucleotide position 2975. The serine at codon 992 is replaced by asparagine, an amino acid with highly similar properties. This amino acid position is well conserved in available vertebrate species. In addition, in silico predictors for this gene do not accurately predict pathogenicity. Since supporting evidence is limited at this time, the clinical significance of this alteration remains unclear.

NM_000038.6(APC):c.2975G>A (p.Ser992Asn)

Gene: APC (APC regulator of Wnt signaling pathway; plus strand). Cytogenetic location: 5q22.2.
Variant type: single nucleotide variant.
Coding change: c.2975G>A on transcript NM_000038.6 (MANE Select); coding-DNA position 2975, G replaced by A.
Protein change: p.Ser992Asn; replaces serine 992 with asparagine.
Molecular consequence: missense variant.
Genome position (GRCh38, 1-based): chr5:112,838,569, G>A. VCF-style: chr5-112838569-G-A. GRCh37 (hg19) VCF-style: chr5-112174266-G-A.
Other names: c.2975G>A, p.Ser992Asn (NM_001127510.3, NM_001354895.2); c.2921G>A, p.Ser974Asn (NM_001127511.3); c.3029G>A, p.Ser1010Asn (NM_001354896.2); c.3005G>A, p.Ser1002Asn (NM_001354897.2); c.2900G>A, p.Ser967Asn (NM_001354898.2); c.2891G>A, p.Ser964Asn (NM_001354899.2); c.2852G>A, p.Ser951Asn (NM_001354900.2); c.2798G>A, p.Ser933Asn (NM_001354901.2); and 5 more; short protein forms S1002N, S866N, S891N, S992N, S1010N, S709N, S832N, S951N.
Identifiers: ClinVar variation 822400 (VCV000822400.5), dbSNP rs864622328, ClinGen allele CA16027834.